The following is an entry in ClinVar:

NM_001364791.2(ANO2):c.785+6T>A

Gene: ANO2 (anoctamin 2; minus strand). Cytogenetic location: 12p13.31.
Variant type: single nucleotide variant.
Coding change: c.785+6T>A on transcript NM_001364791.2 (MANE Select); 6 bases into the intron after coding-DNA position 785, T replaced by A.
Molecular consequence: intron variant.
Genome position (GRCh38, 1-based): chr12:5,832,446, A>T on the plus strand (T>A on the coding strand, the complement: ANO2 is on the minus strand). VCF-style: chr12-5832446-A-T. GRCh37 (hg19) VCF-style: chr12-5941612-A-T.
Other names: NC_000012.11:g.5941612A>T; c.776+6T>A (NM_001278597.3); c.788+6T>A (NM_001278596.3).
Identifiers: ClinVar variation 2642599 (VCV002642599.25), dbSNP rs71582855, ClinGen allele CA6400994.
Genomic context (GRCh38, chr12:5,832,446, plus strand): 5'-AGAACAGTATTCAATTTTCCTTCCTATCCCTTCCCACATCTCTGCTCCAGCAGCTTCAAT[A>T]CTCACAGGTACATCTTCTCCCTGGAGAATGGGTAGGAGAGGTTTTTCATCTTGTTGTTGC-3'

ClinVar aggregate classification (germline): Likely benign (1 of 4 stars; one submission).

Allele frequency attached by ClinVar (database versions not stated): 1000 Genomes Project 0.00200; 1000 Genomes Project 30x 0.00203; ESP Exome Variant Server 0.00383; TOPMed 0.00403; gnomAD 0.00468.
gnomAD v4.1: 8,435 of 1,613,670 alleles (0.52%); highest among the groups gnomAD compares: Middle Eastern, 0.73%; 42 homozygotes.

Submissions (4):

CeGaT Center for Human Genetics Tuebingen
Classification: Likely benign. Last evaluated: 2023-03-01. Review status: criteria provided, single submitter. Criteria: CeGaT Center For Human Genetics Tuebingen Variant Classification Criteria Version 2. Collection method: clinical testing. Allele origin: germline. Affected: yes. Observed: 2 variant alleles.
Comment: ANO2: BP4, BS2

Dr. Peter K. Rogan Lab, Western University
No classification provided (evidence only). Condition: Cervical cancer. Review status: no classification provided. Collection method: in vitro. Allele origin: not applicable. Functional consequence: retained intron. Not counted in ClinVar's aggregate classification.

Dr. Peter K. Rogan Lab, Western University
No classification provided (evidence only). Condition: Thymoma. Review status: no classification provided. Collection method: in vitro. Allele origin: not applicable. Functional consequence: retained intron. Not counted in ClinVar's aggregate classification.

Dr. Peter K. Rogan Lab, Western University
No classification provided (evidence only). Condition: Ovarian serous cystadenocarcinoma. Review status: no classification provided. Collection method: in vitro. Allele origin: not applicable. Functional consequence: retained intron. Not counted in ClinVar's aggregate classification.